The following is an entry in ClinVar:

NM_002334.4(LRP4):c.3349G>A (p.Asp1117Asn)

Gene: LRP4 (LDL receptor related protein 4; minus strand). Cytogenetic location: 11p11.2.
Variant type: single nucleotide variant.
Coding change: c.3349G>A on transcript NM_002334.4 (MANE Select); coding-DNA position 3349, G replaced by A.
Protein change: p.Asp1117Asn; replaces aspartic acid 1117 with asparagine.
Molecular consequence: missense variant.
Genome position (GRCh38, 1-based): chr11:46,876,759, C>T on the plus strand (G>A on the coding strand, the complement: LRP4 is on the minus strand). VCF-style: chr11-46876759-C-T. GRCh37 (hg19) VCF-style: chr11-46898310-C-T.
Other names: short protein forms D1117N.
Identifiers: ClinVar variation 2416580 (VCV002416580.3), dbSNP rs1479367410, ClinGen allele CA380274957.

ClinVar aggregate classification (germline): Uncertain significance (1 of 4 stars; one submission).

Conditions:
Cenani-Lenz syndactyly syndrome. Also called: CENANI SYNDACTYLISM; SYNDACTYLY, TYPE VII. Identifiers: Orphanet 3258, MedGen C1859309, MONDO:0008931, OMIM 212780.
Congenital myasthenic syndrome 17. Identifiers: Orphanet 590, MedGen C4225377, MONDO:0014578, OMIM 616304.
Sclerosteosis 2 (SOST2). Identifiers: Orphanet 3152, MedGen C3280402, MONDO:0013679, OMIM 614305.

Allele frequency attached by ClinVar (database versions not stated): gnomAD exomes below 0.00001; TOPMed 0.00003.
gnomAD v4.1: 5 of 1,614,164 alleles (0.00031%); highest among the groups gnomAD compares: Admixed American, 0.0033%; no homozygotes.

Submission:

Labcorp Genetics (formerly Invitae), Labcorp
Classification: Uncertain significance for Cenani-Lenz syndactyly syndrome; Sclerosteosis 2; Congenital myasthenic syndrome 17. Last evaluated: 2022-06-21. Review status: criteria provided, single submitter. Criteria: Invitae Variant Classification Sherloc (09022015). Collection method: clinical testing. Allele origin: germline.
Comment: This sequence change replaces aspartic acid, which is acidic and polar, with asparagine, which is neutral and polar, at codon 1117 of the LRP4 protein (p.Asp1117Asn). This variant is present in population databases (no rsID available, gnomAD no frequency). This variant has not been reported in the literature in individuals affected with LRP4-related conditions. Algorithms developed to predict the effect of missense changes on protein structure and function (SIFT, PolyPhen-2, Align-GVGD) all suggest that this variant is likely to be tolerated. In summary, the available evidence is currently insufficient to determine the role of this variant in disease. Therefore, it has been classified as a Variant of Uncertain Significance.